The following is an entry in ClinVar:

NM_020693.4(DSCAML1):c.1277C>T (p.Ser426Leu)

Gene: DSCAML1 (DS cell adhesion molecule like 1; minus strand). Cytogenetic location: 11q23.3.
Variant type: single nucleotide variant.
Coding change: c.1277C>T on transcript NM_020693.4 (MANE Select); coding-DNA position 1277, C replaced by T.
Protein change: p.Ser426Leu; replaces serine 426 with leucine.
Molecular consequence: missense variant.
Genome position (GRCh38, 1-based): chr11:117,518,699, G>A on the plus strand (C>T on the coding strand, the complement: DSCAML1 is on the minus strand). VCF-style: chr11-117518699-G-A. GRCh37 (hg19) VCF-style: chr11-117389414-G-A.
Other names: c.1277C>T, p.Ser426Leu (NM_001367904.1); c.869C>T, p.Ser290Leu (NM_001367905.1); c.1457C>T (NM_020693.2); short protein forms S426L, S290L.
Identifiers: ClinVar variation 1446063 (VCV001446063.8), dbSNP rs188550294, ClinGen allele CA6297308.

ClinVar aggregate classification (germline): Uncertain significance. Review status: criteria provided, multiple submitters, no conflicts (2 of 4 stars). 2 submissions from 2 submitters: Uncertain significance (2). Last evaluated 2026-01-14.

Allele frequency attached by ClinVar (database versions not stated): ESP Exome Variant Server 0.00015; gnomAD 0.00017 and 0.00018; TOPMed 0.00022; gnomAD exomes 0.00029 and 0.00013; 1000 Genomes Project 30x 0.00031; 1000 Genomes Project 0.00040; ExAC 0.00013.
gnomAD v4.1: 447 of 1,613,298 alleles (0.028%); highest among the groups gnomAD compares: Admixed American, 0.037%; 1 homozygote.

Submissions (2):

Labcorp Genetics (formerly Invitae), Labcorp
Classification: Uncertain significance. Last evaluated: 2026-01-14. Review status: criteria provided, single submitter. Criteria: Invitae Variant Classification Sherloc (09022015). Collection method: clinical testing. Allele origin: germline.
Comment: This sequence change replaces serine, which is neutral and polar, with leucine, which is neutral and non-polar, at codon 486 of the DSCAML1 protein (p.Ser486Leu). This variant is present in population databases (rs188550294, gnomAD 0.02%). This variant has not been reported in the literature in individuals affected with DSCAML1-related conditions. ClinVar contains an entry for this variant (Variation ID: 1446063). An algorithm developed to predict the effect of missense changes on protein structure and function (PolyPhen-2) suggests that this variant is likely to be disruptive. In summary, the available evidence is currently insufficient to determine the role of this variant in disease. Therefore, it has been classified as a Variant of Uncertain Significance.

Ambry Genetics
Classification: Uncertain significance. Last evaluated: 2024-10-09. Review status: criteria provided, single submitter. Criteria: Ambry Variant Classification Scheme 2023. Collection method: clinical testing. Allele origin: germline.